The following is an entry in ClinVar:

ClinVar aggregate classification (germline): Benign. Review status: criteria provided, single submitter (1 of 4 stars). 2 submissions from 2 submitters: Benign (1). 1 of the submissions does not count toward it. Last evaluated 2025-12-09.

Conditions:
FLNA-related disorder.
Heterotopia, periventricular, X-linked dominant (PVNH1). Also called: PERIVENTRICULAR NODULAR HETEROTOPIA 4; HETEROTOPIA, PERIVENTRICULAR, 1; PERIVENTRICULAR NODULAR HETEROTOPIA 1; X-linked periventricular heterotopia. Identifiers: Orphanet 2149, Orphanet 82004, MedGen C1848213, MONDO:0010233, OMIM 300049.
Melnick-Needles syndrome (MNS). Also called: Melnick-Needles Syndrome (FLNA-MNS); MELNICK-NEEDLES OSTEODYSPLASTY; OSTEODYSPLASTY OF MELNICK AND NEEDLES. Identifiers: Orphanet 2484, MedGen C0025237, MONDO:0010650, OMIM 309350.
Frontometaphyseal dysplasia (FMD1). Identifiers: Orphanet 1826, MedGen C0265293, MONDO:0015942.
Oto-palato-digital syndrome, type II (OPD2). Also called: Otopalatodigital Syndrome Type 2 (FLNA-OPD2); Otopalatodigital Syndrome, Type II; FACIOPALATOOSSEOUS SYNDROME; OPD II SYNDROME. Identifiers: Orphanet 669, Orphanet 90652, MedGen C1844696, MONDO:0010571, OMIM 304120.

Allele frequency attached by ClinVar (database versions not stated): gnomAD 0.00002 and 0.00003; gnomAD exomes 0.00002 and 0.00008; ExAC 0.00006.

Submissions (2):

Labcorp Genetics (formerly Invitae), Labcorp
Classification: Benign for Oto-palato-digital syndrome, type II; Heterotopia, periventricular, X-linked dominant; Frontometaphyseal dysplasia; Melnick-Needles syndrome. Last evaluated: 2025-12-09. Review status: criteria provided, single submitter. Criteria: Invitae Variant Classification Sherloc (09022015). Collection method: clinical testing. Allele origin: germline.

PreventionGenetics, part of Exact Sciences
Classification: Likely benign for FLNA-related condition. Last evaluated: 2023-04-25. Review status: no assertion criteria provided. Collection method: clinical testing. Allele origin: germline. Not counted in ClinVar's aggregate classification.
Comment: This variant is classified as likely benign based on ACMG/AMP sequence variant interpretation guidelines (Richards et al. 2015 PMID: 25741868, with internal and published modifications).

NM_001110556.2(FLNA):c.4499T>C (p.Val1500Ala)

Gene: FLNA (filamin A; minus strand). Cytogenetic location: Xq28.
Variant type: single nucleotide variant.
Coding change: c.4499T>C on transcript NM_001110556.2 (MANE Select); coding-DNA position 4499, T replaced by C.
Protein change: p.Val1500Ala; replaces valine 1500 with alanine.
Molecular consequence: missense variant.
Genome position (GRCh38, 1-based): chrX:154,358,544, A>G on the plus strand (T>C on the coding strand, the complement: FLNA is on the minus strand). VCF-style: chrX-154358544-A-G. GRCh37 (hg19) VCF-style: chrX-153586912-A-G.
Other names: c.4499T>C, p.Val1500Ala (NM_001456.4); c.4499T>C (NM_001110556.1); short protein forms V1500A.
Identifiers: ClinVar variation 569958 (VCV000569958.14), dbSNP rs781972123, ClinGen allele CA10560516.
Genomic context (GRCh38, chrX:154,358,544, plus strand): 5'-CTGTAGGGCCCTTCTCGGCTGGGCACATAATTGACGGTCTGGGTGCCATCAGCGTTGTCT[A>G]CCACGTCCACTGGCTCCACCAGGCCTGGCCCCAGCCCCAGGGACAGAGCATCAGCTAGTC-3'
Protein context (NP_001104026.1, residues 1490-1510): PKGLVEPVDV[Val1500Ala]DNADGTQTVN